The following is an entry in ClinVar:

ClinVar aggregate classification (germline): Benign. Review status: criteria provided, multiple submitters, no conflicts (2 of 4 stars). 2 submissions from 2 submitters: Benign (2). Last evaluated 2016-08-04.

Allele frequency attached by ClinVar (database versions not stated): gnomAD exomes 0.01884; ExAC 0.05177; gnomAD 0.05183; 1000 Genomes Project 0.05371; TOPMed 0.05385; 1000 Genomes Project 30x 0.05637.
gnomAD v4.1: 28,671 of 1,246,234 alleles (2.3%); highest among the groups gnomAD compares: African/African-American, 14%; 863 homozygotes.

Submissions (2):

GeneDx
Classification: Benign. Last evaluated: 2016-08-04. Review status: criteria provided, single submitter. Criteria: GeneDx Variant Classification (06012015). Collection method: clinical testing. Allele origin: germline. Affected: yes.
Comment: This variant is considered likely benign or benign based on one or more of the following criteria: it is a conservative change, it occurs at a poorly conserved position in the protein, it is predicted to be benign by multiple in silico algorithms, and/or has population frequency not consistent with disease.

Breakthrough Genomics
Classification: Benign. Review status: criteria provided, single submitter. Criteria: ACMG Guidelines, 2015. Collection method: not provided. Allele origin: germline. Inheritance: Autosomal recessive inheritance. Affected: yes.

NM_183075.3(CYP2U1):c.-37G>A

Genes: CYP2U1 (cytochrome P450 family 2 subfamily U member 1; plus strand), CYP2U1-AS1 (CYP2U1 and SGMS2 antisense RNA 1; minus strand). Cytogenetic location: 4q25.
Variant type: single nucleotide variant.
Coding change: c.-37G>A on transcript NM_183075.3 (MANE Select); 37 bases upstream of the start codon, G replaced by A.
Molecular consequence: 5 prime UTR variant.
Genome position (GRCh38, 1-based): chr4:107,931,607, G>A. VCF-style: chr4-107931607-G-A. GRCh37 (hg19) VCF-style: chr4-108852763-G-A.
Identifiers: ClinVar variation 380776 (VCV000380776.2), dbSNP rs112053024, ClinGen allele CA3036945.